The following is an entry in ClinVar:

ClinVar aggregate classification (germline): Uncertain significance (1 of 4 stars; one submission).

Conditions:
Renal cell carcinoma. Identifiers: Orphanet 217071, MedGen C0007134, MeSH D002292, MONDO:0005086, HP:0005584.

Submission:

Labcorp Genetics (formerly Invitae), Labcorp
Classification: Uncertain significance for Renal cell carcinoma. Last evaluated: 2024-09-29. Review status: criteria provided, single submitter. Criteria: Invitae Variant Classification Sherloc (09022015). Collection method: clinical testing. Allele origin: germline.
Comment: This sequence change replaces alanine, which is neutral and non-polar, with aspartic acid, which is acidic and polar, at codon 1239 of the MET protein (p.Ala1239Asp). This variant is not present in population databases (gnomAD no frequency). This variant has not been reported in the literature in individuals affected with MET-related conditions. Invitae Evidence Modeling of protein sequence and biophysical properties (such as structural, functional, and spatial information, amino acid conservation, physicochemical variation, residue mobility, and thermodynamic stability) indicates that this missense variant is expected to disrupt MET protein function with a positive predictive value of 80%. In summary, the available evidence is currently insufficient to determine the role of this variant in disease. Therefore, it has been classified as a Variant of Uncertain Significance.

NM_000245.4(MET):c.3662C>A (p.Ala1221Asp)

Gene: MET (MET proto-oncogene, receptor tyrosine kinase; plus strand). Cytogenetic location: 7q31.2.
Variant type: single nucleotide variant.
Coding change: c.3662C>A on transcript NM_000245.4 (MANE Select); coding-DNA position 3662, C replaced by A.
Protein change: p.Ala1221Asp; replaces alanine 1221 with aspartic acid.
Molecular consequence: missense variant.
Genome position (GRCh38, 1-based): chr7:116,783,333, C>A. VCF-style: chr7-116783333-C-A. GRCh37 (hg19) VCF-style: chr7-116423387-C-A.
Other names: c.3716C>A, p.Ala1239Asp (NM_001127500.3); c.2372C>A, p.Ala791Asp (NM_001324402.2); short protein forms A1221D, A791D, A1239D.
Identifiers: ClinVar variation 3664728 (VCV003664728.2).